The following is an entry in ClinVar:

ClinVar aggregate classification (germline): Conflicting classifications of pathogenicity. Review status: criteria provided, conflicting classifications (1 of 4 stars). 2 submissions from 2 submitters: Uncertain significance (1); Likely benign (1). Last evaluated 2024-07-11.

Conditions:
TNF receptor-associated periodic fever syndrome (TRAPS) (FPF). Also called: FAMILIAL HIBERNIAN FEVER; Autosomal Dominant Familial Periodic Fever; TNF RECEPTOR-ASSOCIATED PERIODIC SYNDROME; TUMOR NECROSIS FACTOR RECEPTOR-ASSOCIATED PERIODIC SYNDROME; TNF Receptor-Associated Periodic Fever Syndrome; TNF receptor 1-associated periodic fever syndrome. Identifiers: Orphanet 32960, MedGen C1275126, MONDO:0007727, OMIM 142680.

Allele frequency attached by ClinVar (database versions not stated): gnomAD exomes below 0.00001; ExAC 0.00001; gnomAD 0.00001; TOPMed 0.00001.
gnomAD v4.1: 4 of 1,614,052 alleles (0.00025%); highest among the groups gnomAD compares: African/African-American, 0.0013%; no homozygotes.

Submissions (2):

Labcorp Genetics (formerly Invitae), Labcorp
Classification: Uncertain significance for TNF receptor-associated periodic fever syndrome (TRAPS). Last evaluated: 2024-07-11. Review status: criteria provided, single submitter. Criteria: Invitae Variant Classification Sherloc (09022015). Collection method: clinical testing. Allele origin: germline.
Comment: This sequence change replaces valine, which is neutral and non-polar, with methionine, which is neutral and non-polar, at codon 6 of the TNFRSF1A protein (p.Val6Met). This variant is present in population databases (rs772424047, gnomAD 0.0009%). This variant has not been reported in the literature in individuals affected with TNFRSF1A-related conditions. ClinVar contains an entry for this variant (Variation ID: 546075). Advanced modeling of protein sequence and biophysical properties (such as structural, functional, and spatial information, amino acid conservation, physicochemical variation, residue mobility, and thermodynamic stability) has been performed at Invitae for this missense variant, however the output from this modeling did not meet the statistical confidence thresholds required to predict the impact of this variant on TNFRSF1A protein function. In summary, the available evidence is currently insufficient to determine the role of this variant in disease. Therefore, it has been classified as a Variant of Uncertain Significance.

GeneDx
Classification: Likely benign. Last evaluated: 2019-02-07. Review status: criteria provided, single submitter. Criteria: GeneDx Variant Classification Process June 2021. Collection method: clinical testing. Allele origin: germline. Affected: yes.

NM_001065.4(TNFRSF1A):c.16G>A (p.Val6Met)

Gene: TNFRSF1A (TNF receptor superfamily member 1A; minus strand). Cytogenetic location: 12p13.31.
Variant type: single nucleotide variant.
Coding change: c.16G>A on transcript NM_001065.4 (MANE Select); coding-DNA position 16, G replaced by A.
Protein change: p.Val6Met; replaces valine 6 with methionine.
Molecular consequence: missense variant. On other transcripts: 5 prime UTR variant (2), non-coding transcript variant (1).
Genome position (GRCh38, 1-based): chr12:6,341,799, C>T on the plus strand (G>A on the coding strand, the complement: TNFRSF1A is on the minus strand). VCF-style: chr12-6341799-C-T. GRCh37 (hg19) VCF-style: chr12-6450965-C-T.
Other names: c.-155G>A (NM_001346091.2); c.-562G>A (NM_001346092.2); short protein forms V6M.
Identifiers: ClinVar variation 546075 (VCV000546075.11), dbSNP rs772424047, ClinGen allele CA6405644.